The following is an entry in ClinVar:

ClinVar aggregate classification (germline): Uncertain significance. Review status: criteria provided, multiple submitters, no conflicts (2 of 4 stars). 3 submissions from 3 submitters: Uncertain significance (2). 1 of the submissions does not count toward it. Last evaluated 2025-11-13.

Conditions:
CEP164-related disorder. Also called: CEP164-related condition.
Inborn genetic diseases. Identifiers: MedGen C0950123, MeSH D030342.
Nephronophthisis 15 (NPHP15). Identifiers: Orphanet 3156, MedGen C3541853, MONDO:0013917, OMIM 614845.

Allele frequency attached by ClinVar (database versions not stated): TOPMed 0.00002.
gnomAD v4.1: 7 of 1,614,020 alleles (0.00043%); highest among the groups gnomAD compares: African/African-American, 0.008%; no homozygotes.

Submissions (3):

Ambry Genetics
Classification: Uncertain significance for Inborn genetic diseases. Last evaluated: 2025-11-13. Review status: criteria provided, single submitter. Criteria: Ambry Variant Classification Scheme 2023. Collection method: clinical testing. Allele origin: germline.

Labcorp Genetics (formerly Invitae), Labcorp
Classification: Uncertain significance for Nephronophthisis 15. Last evaluated: 2020-12-27. Review status: criteria provided, single submitter. Criteria: Invitae Variant Classification Sherloc (09022015). Collection method: clinical testing. Allele origin: germline.
Comment: In summary, the available evidence is currently insufficient to determine the role of this variant in disease. Therefore, it has been classified as a Variant of Uncertain Significance. Algorithms developed to predict the effect of missense changes on protein structure and function are either unavailable or do not agree on the potential impact of this missense change (SIFT: "Deleterious"; PolyPhen-2: "Benign"; Align-GVGD: "Class C0"). This variant has not been reported in the literature in individuals with CEP164-related conditions. This variant is present in population databases (rs144910893, ExAC 0.02%). This sequence change replaces arginine with proline at codon 1122 of the CEP164 protein (p.Arg1122Pro). The arginine residue is moderately conserved and there is a moderate physicochemical difference between arginine and proline.

PreventionGenetics, part of Exact Sciences
Classification: Uncertain significance for CEP164-related condition. Last evaluated: 2024-09-02. Review status: no assertion criteria provided. Collection method: clinical testing. Allele origin: germline. Not counted in ClinVar's aggregate classification.
Comment: The CEP164 c.3365G>C variant is predicted to result in the amino acid substitution p.Arg1122Pro. To our knowledge, this variant has not been reported in the literature. This variant is reported in 0.018% of alleles in individuals of African descent in gnomAD. At this time, the clinical significance of this variant is uncertain due to the absence of conclusive functional and genetic evidence.

NM_014956.5(CEP164):c.3365G>C (p.Arg1122Pro)

Gene: CEP164 (centrosomal protein 164; plus strand). Cytogenetic location: 11q23.3.
Variant type: single nucleotide variant.
Coding change: c.3365G>C on transcript NM_014956.5 (MANE Select); coding-DNA position 3365, G replaced by C.
Protein change: p.Arg1122Pro; replaces arginine 1122 with proline.
Molecular consequence: missense variant.
Genome position (GRCh38, 1-based): chr11:117,397,177, G>C. VCF-style: chr11-117397177-G-C. GRCh37 (hg19) VCF-style: chr11-117267893-G-C.
Other names: c.3374G>C, p.Arg1125Pro (NM_001271933.2); short protein forms R1122P, R1125P.
Identifiers: ClinVar variation 863950 (VCV000863950.11), dbSNP rs144910893, ClinGen allele CA6295431.